The following is an entry in ClinVar:

NM_024675.4(PALB2):c.277G>A (p.Gly93Arg)

Gene: PALB2 (partner and localizer of BRCA2; minus strand). Cytogenetic location: 16p12.2.
Variant type: single nucleotide variant.
Coding change: c.277G>A on transcript NM_024675.4 (MANE Select); coding-DNA position 277, G replaced by A.
Protein change: p.Gly93Arg; replaces glycine 93 with arginine.
Molecular consequence: missense variant.
Genome position (GRCh38, 1-based): chr16:23,636,269, C>T on the plus strand (G>A on the coding strand, the complement: PALB2 is on the minus strand). VCF-style: chr16-23636269-C-T. GRCh37 (hg19) VCF-style: chr16-23647590-C-T.
Other names: short protein forms G93R.
Identifiers: ClinVar variation 1199614 (VCV001199614.10), dbSNP rs2142447132, ClinGen allele CA395138848.
Genomic context (GRCh38, chr16:23,636,269, plus strand): 5'-GGCCATCTCCAGGGTTAAAGGACTCAGGCCCAACATCAAGTGTGATAGATGTCTTTTCTC[C>T]AGTTTCTTCATCAAGATGGGTTTTGATGTGTAACTTGTCATAAACACATATTTTATTTTT-3'
Protein context (NP_078951.2, residues 83-103): HIKTHLDEET[Gly93Arg]EKTSITLDVG

ClinVar aggregate classification (germline): Uncertain significance. Review status: criteria provided, multiple submitters, no conflicts (2 of 4 stars). 2 submissions from 2 submitters: Uncertain significance (2). Last evaluated 2022-03-17.

Conditions:
Familial cancer of breast. Also called: Hereditary breast cancer; hereditary breast carcinoma; BREAST CANCER, FAMILIAL. Identifiers: Orphanet 227535, MedGen C0346153, MONDO:0016419, OMIM 114480. Disease mechanism: loss of function.

Submissions (2):

Labcorp Genetics (formerly Invitae), Labcorp
Classification: Uncertain significance for Familial cancer of breast. Last evaluated: 2022-03-17. Review status: criteria provided, single submitter. Criteria: Invitae Variant Classification Sherloc (09022015). Collection method: clinical testing. Allele origin: germline.
Comment: Experimental studies have shown that this missense change affects PALB2 function (PMID: 22331464). In summary, the available evidence is currently insufficient to determine the role of this variant in disease. Therefore, it has been classified as a Variant of Uncertain Significance. Algorithms developed to predict the effect of missense changes on protein structure and function output the following: SIFT: "Tolerated"; PolyPhen-2: "Benign"; Align-GVGD: "Class C0". The arginine amino acid residue is found in multiple mammalian species, which suggests that this missense change does not adversely affect protein function. ClinVar contains an entry for this variant (Variation ID: 1199614). This variant has not been reported in the literature in individuals affected with PALB2-related conditions. This variant is not present in population databases (gnomAD no frequency). This sequence change replaces glycine, which is neutral and non-polar, with arginine, which is basic and polar, at codon 93 of the PALB2 protein (p.Gly93Arg).

GeneDx
Classification: Uncertain significance. Last evaluated: 2019-05-02. Review status: criteria provided, single submitter. Criteria: GeneDx Variant Classification Process June 2021. Collection method: clinical testing. Allele origin: germline. Affected: yes.
Comment: Not observed in large population cohorts (Lek et al., 2016); In silico analysis, which includes protein predictors and evolutionary conservation, supports that this variant does not alter protein structure/function; This variant is associated with the following publications: (PMID: 22331464)

Literature cited by the submitters: PubMed 22331464 (cited by Labcorp Genetics (formerly Invitae), Labcorp).